The following is an entry in ClinVar:

NM_000465.4(BARD1):c.1616T>G (p.Met539Arg)

Gene: BARD1 (BRCA1 associated RING domain 1; minus strand). Cytogenetic location: 2q35.
Variant type: single nucleotide variant.
Coding change: c.1616T>G on transcript NM_000465.4 (MANE Select); coding-DNA position 1616, T replaced by G.
Protein change: p.Met539Arg; replaces methionine 539 with arginine.
Molecular consequence: missense variant. On other transcripts: non-coding transcript variant (3), intron variant (1).
Genome position (GRCh38, 1-based): chr2:214,752,508, A>C on the plus strand (T>G on the coding strand, the complement: BARD1 is on the minus strand). VCF-style: chr2-214752508-A-C. GRCh37 (hg19) VCF-style: chr2-215617232-A-C.
Other names: c.1559T>G, p.Met520Arg (NM_001282543.2); c.263T>G, p.Met88Arg (NM_001282545.2); c.206T>G, p.Met69Arg (NM_001282548.2); c.365-22000T>G (NM_001282549.2); short protein forms M539R, M88R, M69R, M520R.
Identifiers: ClinVar variation 3820781 (VCV003820781.1).

ClinVar aggregate classification (germline): Uncertain significance (1 of 4 stars; one submission).

Conditions:
Hereditary cancer-predisposing syndrome. Also called: Hereditary neoplastic syndrome; Neoplastic Syndromes, Hereditary; Tumor predisposition; Hereditary Cancer Syndrome. Identifiers: Orphanet 140162, MedGen C0027672, MeSH D009386, MONDO:0015356.

Submission:

Ambry Genetics
Classification: Uncertain significance for Hereditary cancer-predisposing syndrome. Last evaluated: 2025-03-06. Review status: criteria provided, single submitter. Criteria: Ambry Variant Classification Scheme 2023. Collection method: clinical testing. Allele origin: germline.
Comment: The p.M539R variant (also known as c.1616T>G), located in coding exon 7 of the BARD1 gene, results from a T to G substitution at nucleotide position 1616. The methionine at codon 539 is replaced by arginine, an amino acid with similar properties. This amino acid position is conserved. In addition, the in silico prediction for this alteration is inconclusive. Based on the available evidence, the clinical significance of this variant remains unclear.